The following is an entry in ClinVar:

NM_006545.5(NPRL2):c.694G>A (p.Val232Ile)

Gene: NPRL2 (NPR2 like, GATOR1 complex subunit; minus strand). Cytogenetic location: 3p21.31.
Variant type: single nucleotide variant.
Coding change: c.694G>A on transcript NM_006545.5 (MANE Select); coding-DNA position 694, G replaced by A.
Protein change: p.Val232Ile; replaces valine 232 with isoleucine.
Molecular consequence: missense variant.
Genome position (GRCh38, 1-based): chr3:50,348,553, C>T on the plus strand (G>A on the coding strand, the complement: NPRL2 is on the minus strand). VCF-style: chr3-50348553-C-T. GRCh37 (hg19) VCF-style: chr3-50385984-C-T.
Other names: short protein forms V232I.
Identifiers: ClinVar variation 1342320 (VCV001342320.4), dbSNP rs767088341, ClinGen allele CA2417513.
Genomic context (GRCh38, chr3:50,348,553, plus strand): 5'-CCACTCTCCACTTAACCAAACCCAACTCACCTACCTGGAGGATGGACACCAGTGTCACAA[C>T]GCCGTAGTACCTGAGAGAGAGAGCTGTGCTCAGCTTCTGAGGACCATGCCTTCCCAACCC-3'
Protein context (NP_006536.3, residues 222-242): IAIQNLLYYG[Val232Ile]VTLVSILQYS

ClinVar aggregate classification (germline): Conflicting classifications of pathogenicity. Review status: criteria provided, conflicting classifications (1 of 4 stars). 2 submissions from 2 submitters: Uncertain significance (1); Likely benign (1). Last evaluated 2022-05-11.

Conditions:
Inborn genetic diseases. Identifiers: MedGen C0950123, MeSH D030342.
Epilepsy, familial focal, with variable foci 2 (FFEVF2). Identifiers: MedGen C4310709, MONDO:0014924, OMIM 617116.

Allele frequency attached by ClinVar (database versions not stated): gnomAD 0.00003; gnomAD exomes 0.00003 and 0.00007; TOPMed 0.00005; ExAC 0.00007.

Submissions (2):

Ambry Genetics
Classification: Likely benign for Inborn genetic diseases. Last evaluated: 2022-05-11. Review status: criteria provided, single submitter. Criteria: Ambry Variant Classification Scheme 2023. Collection method: clinical testing. Allele origin: germline.

New York Genome Center
Classification: Uncertain significance for Epilepsy, familial focal, with variable foci 2. Last evaluated: 2021-02-24. Review status: criteria provided, single submitter. Criteria: NYGC Assertion Criteria 2020. Collection method: clinical testing. Allele origin: inherited. Observed: 1 heterozygote. Study: CSER-NYCKidSeq.
Comment: The inherited c.694G>A, p.Val232Ile missense variant identified in NPRL2 has not been reported in the literature. This variant has three heterozygotes in the gnomAD v3.1database, indicating this is a rare allele. In silico analysis predicts conflicting effect of pathogenicity [PMID:27268795] and the position is strongly conserved (GERP++ = 5.65). Based on the available evidence, the inherited missense variant c.694G>A, p.Val232Ile in the NPRL2 gene is classified as a Variant of Uncertain Significance.